The following is an entry in ClinVar:

ClinVar aggregate classification (germline): Uncertain significance (1 of 4 stars; one submission).

Allele frequency attached by ClinVar (database versions not stated): gnomAD exomes 0.00001; gnomAD 0.00003; TOPMed 0.00001.
gnomAD v4.1: 23 of 1,612,532 alleles (0.0014%); highest among the groups gnomAD compares: Non-Finnish European, 0.0019%; no homozygotes.

Submission:

Labcorp Genetics (formerly Invitae), Labcorp
Classification: Uncertain significance. Last evaluated: 2025-03-18. Review status: criteria provided, single submitter. Criteria: Invitae Variant Classification Sherloc (09022015). Collection method: clinical testing. Allele origin: germline.
Comment: This sequence change replaces lysine, which is basic and polar, with threonine, which is neutral and polar, at codon 389 of the RFWD3 protein (p.Lys389Thr). This variant is present in population databases (no rsID available, gnomAD 0.1%). This variant has not been reported in the literature in individuals affected with RFWD3-related conditions. ClinVar contains an entry for this variant (Variation ID: 1966006). An algorithm developed to predict the effect of missense changes on protein structure and function (PolyPhen-2) suggests that this variant is likely to be tolerated. In summary, the available evidence is currently insufficient to determine the role of this variant in disease. Therefore, it has been classified as a Variant of Uncertain Significance.

NM_018124.4(RFWD3):c.1166A>C (p.Lys389Thr)

Gene: RFWD3 (ring finger and WD repeat domain 3; minus strand). Cytogenetic location: 16q23.1.
Variant type: single nucleotide variant.
Coding change: c.1166A>C on transcript NM_018124.4 (MANE Select); coding-DNA position 1166, A replaced by C.
Protein change: p.Lys389Thr; replaces lysine 389 with threonine.
Molecular consequence: missense variant.
Genome position (GRCh38, 1-based): chr16:74,637,884, T>G on the plus strand (A>C on the coding strand, the complement: RFWD3 is on the minus strand). VCF-style: chr16-74637884-T-G. GRCh37 (hg19) VCF-style: chr16-74671782-T-G.
Other names: c.1166A>C, p.Lys389Thr (NM_001370534.1, NM_001370535.1, NM_001370536.1); c.332A>C, p.Lys111Thr (NM_001370537.1, NM_001370539.1, NM_001370540.1 and 3 more transcripts); short protein forms K111T, K389T.
Identifiers: ClinVar variation 1966006 (VCV001966006.5), dbSNP rs1405792931, ClinGen allele CA396762313.